The following is an entry in ClinVar:

NM_005045.4(RELN):c.4088G>A (p.Gly1363Glu)

Gene: RELN (reelin; minus strand). Cytogenetic location: 7q22.1.
Variant type: single nucleotide variant.
Coding change: c.4088G>A on transcript NM_005045.4 (MANE Select); coding-DNA position 4088, G replaced by A.
Protein change: p.Gly1363Glu; replaces glycine 1363 with glutamic acid.
Molecular consequence: missense variant.
Genome position (GRCh38, 1-based): chr7:103,589,653, C>T on the plus strand (G>A on the coding strand, the complement: RELN is on the minus strand). VCF-style: chr7-103589653-C-T. GRCh37 (hg19) VCF-style: chr7-103230100-C-T.
Other names: c.4088G>A, p.Gly1363Glu (NM_173054.3); short protein forms G1363E.
Identifiers: ClinVar variation 2004448 (VCV002004448.4), dbSNP rs2484784789, ClinGen allele CA368755691.
Genomic context (GRCh38, chr7:103,589,653, plus strand): 5'-TACCTGGATGCAAGAGACCTTGGAATAACAATGGTGATTCTTGTCCATTCTTCAAAGTCC[C>T]CTGTGTGATACATGGTGGGCTCACTTAGTTCTCTGGAGTTTCCTTCGCATCCTTTGCCTG-3'
Protein context (NP_005036.2, residues 1353-1373): ELSEPTMYHT[Gly1363Glu]DFEEWTRITI

ClinVar aggregate classification (germline): Uncertain significance (1 of 4 stars; one submission).

Conditions:
Norman-Roberts syndrome (LIS2). Also called: Lissencephaly 2 (Norman-Roberts type). Identifiers: Orphanet 89844, MedGen C0796089, MONDO:0009760, OMIM 257320.
Familial temporal lobe epilepsy 7. Identifiers: Orphanet 101046, MedGen C4225327, MONDO:0014639, OMIM 616436.

Submission:

Labcorp Genetics (formerly Invitae), Labcorp
Classification: Uncertain significance for Familial temporal lobe epilepsy 7; Norman-Roberts syndrome. Last evaluated: 2021-11-27. Review status: criteria provided, single submitter. Criteria: Invitae Variant Classification Sherloc (09022015). Collection method: clinical testing. Allele origin: germline.
Comment: This sequence change replaces glycine, which is neutral and non-polar, with glutamic acid, which is acidic and polar, at codon 1363 of the RELN protein (p.Gly1363Glu). This variant is not present in population databases (gnomAD no frequency). This variant has not been reported in the literature in individuals affected with RELN-related conditions. Algorithms developed to predict the effect of missense changes on protein structure and function are either unavailable or do not agree on the potential impact of this missense change (SIFT: "Deleterious"; PolyPhen-2: "Possibly Damaging"; Align-GVGD: "Class C0"). In summary, the available evidence is currently insufficient to determine the role of this variant in disease. Therefore, it has been classified as a Variant of Uncertain Significance.